The following is an entry in ClinVar:

ClinVar aggregate classification (germline): Uncertain significance (1 of 4 stars; one submission).

Conditions:
NEURL4-related disorder.

Submission:

3billion
Classification: Uncertain significance for NEURL4 related disorder. Last evaluated: 2022-01-03. Review status: criteria provided, single submitter. Criteria: ACMG Guidelines, 2015. Collection method: clinical testing. Allele origin: germline. Affected: yes. Observed: 1 homozygote.
Comment: Frameshift: predicted to result in a loss or disruption of normal protein function through protein truncation. The predicted truncated protein may be shortened by less than 10% (PVS1_M). It is not observed in the gnomAD v2.1.1 dataset (PM2_M). Therefore, this variant is classified as uncertain significance according to the recommendation of ACMG/AMP guideline.

NM_032442.3(NEURL4):c.4290_4303del (p.Val1431fs)

Gene: NEURL4 (neuralized E3 ubiquitin protein ligase 4; minus strand). Cytogenetic location: 17p13.1.
Variant type: Deletion.
Coding change: c.4290_4303del on transcript NM_032442.3 (MANE Select); coding-DNA positions 4290 to 4303, 14 bases deleted (AGTGCTGGACCGAG).
Protein change: p.Val1431fs; shifts the reading frame from valine 1431.
Molecular consequence: frameshift variant.
Genome position (GRCh38, 1-based): chr17:7,317,476-7,317,489, CTCGGTCCAGCACT deleted on the plus strand (AGTGCTGGACCGAG on the coding strand, the reverse complement: NEURL4 is on the minus strand); deleting any 14 consecutive bases within chr17:7,317,476-7,317,492 gives the same sequence; the c. name uses the placement nearest the transcript's 3' end. VCF-style (leftmost placement, unchanged base first): chr17-7317475-CCTCGGTCCAGCACT-C. GRCh37 (hg19) VCF-style: chr17-7220794-CCTCGGTCCAGCACT-C.
Other names: c.4284_4297del, p.Val1429fs (NM_001005408.2); short protein forms V1429fs, V1431fs.
Identifiers: ClinVar variation 1333665 (VCV001333665.1), dbSNP rs2143011299, ClinGen allele CA2573054566.
Genomic context (GRCh38, chr17:7,317,475, plus strand): 5'-AGCCCCCCAGGCTCAGCCCACCTTGCATGGGCCTACTCGCCAGTACCTGCTCCCAGCTCC[CCTCGGTCCAGCACT>C]CTCCGTACAGCGGCAACATTGCTCCCGTGATATGCCATGTGCCACTTCTTGGTTAGTGTC-3'